The following is an entry in ClinVar:

ClinVar aggregate classification (germline): Uncertain significance (1 of 4 stars; one submission).

Conditions:
Left ventricular noncompaction 7 (LVNC7). Identifiers: Orphanet 54260, MedGen C3554496, MONDO:0014042, OMIM 615092.

gnomAD v4.1: 1 of 1,608,478 alleles (0.000062%); highest among the groups gnomAD compares: Non-Finnish European, 0.000085%; no homozygotes.

Submission:

MVZ Medizinische Genetik Mainz
Classification: Uncertain significance for Left ventricular noncompaction 7. Last evaluated: 2026-06-12. Review status: criteria provided, single submitter. Criteria: UK Practice Guidelines For Variant Classification V4 01 2020. Collection method: clinical testing. Allele origin: germline. Inheritance: Autosomal dominant inheritance. Affected: yes. Observed: 1 variant allele.
Comment: ACMG Criteria: PM2_SUP,PP3

NM_020774.4(MIB1):c.637-7T>A

Gene: MIB1 (MIB E3 ubiquitin protein ligase 1; plus strand). Cytogenetic location: 18q11.2.
Variant type: single nucleotide variant.
Coding change: c.637-7T>A on transcript NM_020774.4 (MANE Select); 7 bases into the intron before coding-DNA position 637, T replaced by A.
Molecular consequence: intron variant.
Genome position (GRCh38, 1-based): chr18:21,778,096, T>A. VCF-style: chr18-21778096-T-A. GRCh37 (hg19) VCF-style: chr18-19358057-T-A.
Identifiers: ClinVar variation 4857277 (VCV004857277.1).